The following is an entry in ClinVar:

NM_006231.4(POLE):c.5726G>C (p.Arg1909Pro)

Gene: POLE (DNA polymerase epsilon, catalytic subunit; minus strand). Cytogenetic location: 12q24.33.
Variant type: single nucleotide variant.
Coding change: c.5726G>C on transcript NM_006231.4 (MANE Select); coding-DNA position 5726, G replaced by C.
Protein change: p.Arg1909Pro; replaces arginine 1909 with proline.
Molecular consequence: missense variant.
Genome position (GRCh38, 1-based): chr12:132,635,977, C>G on the plus strand (G>C on the coding strand, the complement: POLE is on the minus strand). VCF-style: chr12-132635977-C-G. GRCh37 (hg19) VCF-style: chr12-133212563-C-G.
Other names: short protein forms R1909P.
Identifiers: ClinVar variation 1024728 (VCV001024728.9), dbSNP rs201455049, ClinGen allele CA387373133.

ClinVar aggregate classification (germline): Uncertain significance. Review status: criteria provided, multiple submitters, no conflicts (2 of 4 stars). 2 submissions from 2 submitters: Uncertain significance (2). Last evaluated 2025-04-02.

Conditions:
Hereditary cancer-predisposing syndrome. Also called: Hereditary Cancer Syndrome; Neoplastic Syndromes, Hereditary; Tumor predisposition; Hereditary neoplastic syndrome. Identifiers: Orphanet 140162, MedGen C0027672, MeSH D009386, MONDO:0015356.

Submissions (2):

Labcorp Genetics (formerly Invitae), Labcorp
Classification: Uncertain significance. Last evaluated: 2025-04-02. Review status: criteria provided, single submitter. Criteria: Invitae Variant Classification Sherloc (09022015). Collection method: clinical testing. Allele origin: germline.
Comment: This sequence change replaces arginine, which is basic and polar, with proline, which is neutral and non-polar, at codon 1909 of the POLE protein (p.Arg1909Pro). This variant is not present in population databases (gnomAD no frequency). This variant has not been reported in the literature in individuals affected with POLE-related conditions. ClinVar contains an entry for this variant (Variation ID: 1024728). Invitae Evidence Modeling of protein sequence and biophysical properties (such as structural, functional, and spatial information, amino acid conservation, physicochemical variation, residue mobility, and thermodynamic stability) indicates that this missense variant is not expected to disrupt POLE protein function with a negative predictive value of 80%. In summary, the available evidence is currently insufficient to determine the role of this variant in disease. Therefore, it has been classified as a Variant of Uncertain Significance.

Ambry Genetics
Classification: Uncertain significance for Hereditary cancer-predisposing syndrome. Last evaluated: 2024-02-27. Review status: criteria provided, single submitter. Criteria: Ambry Variant Classification Scheme 2023. Collection method: clinical testing. Allele origin: germline.
Comment: The p.R1909P variant (also known as c.5726G>C), located in coding exon 42 of the POLE gene, results from a G to C substitution at nucleotide position 5726. The arginine at codon 1909 is replaced by proline, an amino acid with dissimilar properties. This amino acid position is conserved. In addition, the in silico prediction for this alteration is inconclusive. Since supporting evidence is limited at this time, the clinical significance of this alteration remains unclear.